The following is an entry in ClinVar:

NM_015910.7(WDPCP):c.46A>C (p.Ser16Arg)

Gene: WDPCP (WD repeat containing planar cell polarity effector; minus strand). Cytogenetic location: 2p15.
Variant type: single nucleotide variant.
Coding change: c.46A>C on transcript NM_015910.7 (MANE Select); coding-DNA position 46, A replaced by C.
Protein change: p.Ser16Arg; replaces serine 16 with arginine.
Molecular consequence: missense variant. On other transcripts: 5 prime UTR variant (1), non-coding transcript variant (2).
Genome position (GRCh38, 1-based): chr2:63,588,226, T>G on the plus strand (A>C on the coding strand, the complement: WDPCP is on the minus strand). VCF-style: chr2-63588226-T-G. GRCh37 (hg19) VCF-style: chr2-63815360-T-G.
Other names: c.-279A>C (NM_001354044.2); c.46A>C, p.Ser16Arg (NM_001354045.2); short protein forms S16R.
Identifiers: ClinVar variation 970949 (VCV000970949.9), dbSNP rs952535961, ClinGen allele CA49253726.

ClinVar aggregate classification (germline): Uncertain significance. Review status: criteria provided, multiple submitters, no conflicts (2 of 4 stars). 3 submissions from 3 submitters: Uncertain significance (3). Last evaluated 2026-02-25.

Conditions:
Bardet-Biedl syndrome (BBS). Identifiers: Orphanet 110, MedGen C0752166, MONDO:0015229.
WDPCP-related disorder. Also called: WDPCP-related condition.
Bardet-Biedl syndrome 15 (BBS15). Identifiers: Orphanet 110, MedGen C3150127, MONDO:0014443, OMIM 615992.
Heart defect - tongue hamartoma - polysyndactyly syndrome. Also called: Congenital heart defects, hamartomas of tongue, and polysyndactyly. Identifiers: Orphanet 1338, MedGen C1857587, MONDO:0009008, OMIM 217085.

Allele frequency attached by ClinVar (database versions not stated): gnomAD 0.00001; gnomAD exomes 0.00002 and 0.00004; TOPMed 0.00003.
gnomAD v4.1: 52 of 1,575,366 alleles (0.0033%); highest among the groups gnomAD compares: Non-Finnish European, 0.0043%; no homozygotes.

Submissions (3):

PreventionGenetics, part of Exact Sciences
Classification: Uncertain significance for WDPCP-related condition. Last evaluated: 2026-02-25. Review status: criteria provided, single submitter. Criteria: ACMG Guidelines, 2015. Collection method: clinical testing. Allele origin: germline.
Comment: The WDPCP c.46A>C variant is predicted to result in the amino acid substitution p.Ser16Arg. To our knowledge, this variant has not been reported in the literature. This variant is reported in 0.0051% of alleles in individuals of European (Non-Finnish) descent in gnomAD. At this time, the clinical significance of this variant is uncertain due to the absence of conclusive functional and genetic evidence.

Fulgent Genetics
Classification: Uncertain significance for Heart defect - tongue hamartoma - polysyndactyly syndrome; Bardet-Biedl syndrome 15. Last evaluated: 2024-05-14. Review status: criteria provided, single submitter. Criteria: ACMG Guidelines, 2015. Collection method: clinical testing. Allele origin: germline.

Labcorp Genetics (formerly Invitae), Labcorp
Classification: Uncertain significance for Bardet-Biedl syndrome. Last evaluated: 2023-09-11. Review status: criteria provided, single submitter. Criteria: Invitae Variant Classification Sherloc (09022015). Collection method: clinical testing. Allele origin: germline.
Comment: In summary, the available evidence is currently insufficient to determine the role of this variant in disease. Therefore, it has been classified as a Variant of Uncertain Significance. Algorithms developed to predict the effect of missense changes on protein structure and function output the following: SIFT: "Not Available"; PolyPhen-2: "Benign"; Align-GVGD: "Not Available". The arginine amino acid residue is found in multiple mammalian species, which suggests that this missense change does not adversely affect protein function. ClinVar contains an entry for this variant (Variation ID: 970949). This variant has not been reported in the literature in individuals affected with WDPCP-related conditions. This variant is present in population databases (no rsID available, gnomAD 0.004%). This sequence change replaces serine, which is neutral and polar, with arginine, which is basic and polar, at codon 16 of the WDPCP protein (p.Ser16Arg).